The following is an entry in ClinVar:

NM_032588.4(TRIM63):c.502-8C>T

Gene: TRIM63 (tripartite motif containing 63; minus strand). Cytogenetic location: 1p36.11.
Variant type: single nucleotide variant.
Coding change: c.502-8C>T on transcript NM_032588.4 (MANE Select); 8 bases into the intron before coding-DNA position 502, C replaced by T.
Molecular consequence: intron variant.
Genome position (GRCh38, 1-based): chr1:26,060,369, G>A on the plus strand (C>T on the coding strand, the complement: TRIM63 is on the minus strand). VCF-style: chr1-26060369-G-A. GRCh37 (hg19) VCF-style: chr1-26386860-G-A.
Other names: p.?.
Identifiers: ClinVar variation 703806 (VCV000703806.10), dbSNP rs6656100, ClinGen allele CA699629.
Genomic context (GRCh38, chr1:26,060,369, plus strand): 5'-TGCACACGGTCATTCCCCGCCACCAGCATGGAGATACAGTTATTCAGTTCAGTCTAGATG[G>A]GGGTGTGGGGGTCAGGAGAGGAGAGACACAAATAGCCTCAGGGCCTACCCACTGGGGCAT-3'

ClinVar aggregate classification (germline): Benign. Review status: criteria provided, multiple submitters, no conflicts (2 of 4 stars). 6 submissions from 6 submitters: Benign (5). 1 of the submissions does not count toward it. Last evaluated 2025-04-09.

Conditions:
TRIM63-related disorder. Also called: TRIM63-related condition.

Allele frequency attached by ClinVar (database versions not stated): gnomAD exomes 0.00584 and 0.00273; gnomAD 0.01290 and 0.01250; ExAC 0.00668; TOPMed 0.01311; ESP Exome Variant Server 0.01353; 1000 Genomes Project 0.01657; 1000 Genomes Project 30x 0.01640.

Submissions (6):

Molecular Diagnostic Laboratory for Inherited Cardiovascular Disease, Montreal Heart Institute
Classification: Benign. Last evaluated: 2025-04-09. Review status: criteria provided, single submitter. Criteria: ACMG Guidelines, 2015. Collection method: clinical testing. Allele origin: germline. Affected: no.

Mayo Clinic Laboratories, Mayo Clinic
Classification: Benign. Last evaluated: 2023-07-26. Review status: criteria provided, single submitter. Criteria: ACMG Guidelines, 2015. Collection method: clinical testing. Allele origin: germline. Observed: 19 variant alleles.
Comment: BS1, BS2, BP4, BP7

Women's Health and Genetics/Laboratory Corporation of America, LabCorp
Classification: Benign. Last evaluated: 2023-04-10. Review status: criteria provided, single submitter. Criteria: LabCorp Variant Classification Summary - May 2015. Collection method: clinical testing. Allele origin: germline.

Labcorp Genetics (formerly Invitae), Labcorp
Classification: Benign. Last evaluated: 2019-12-31. Review status: criteria provided, single submitter. Criteria: Invitae Variant Classification Sherloc (09022015). Collection method: clinical testing. Allele origin: germline.

Breakthrough Genomics
Classification: Benign. Review status: criteria provided, single submitter. Criteria: ACMG Guidelines, 2015. Collection method: not provided. Allele origin: germline. Inheritance: Unknown mechanism. Affected: yes.

PreventionGenetics, part of Exact Sciences
Classification: Benign for TRIM63-related condition. Last evaluated: 2019-08-09. Review status: no assertion criteria provided. Collection method: clinical testing. Allele origin: germline. Not counted in ClinVar's aggregate classification.
Comment: This variant is classified as benign based on ACMG/AMP sequence variant interpretation guidelines (Richards et al. 2015 PMID: 25741868, with internal and published modifications).